The following is an entry in ClinVar:

ClinVar aggregate classification (germline): Benign. Review status: criteria provided, multiple submitters, no conflicts (2 of 4 stars). 8 submissions from 8 submitters: Benign (7). 1 of the submissions does not count toward it. Last evaluated 2024-11-27.

Conditions:
Familial infantile myasthenia (CMS6). Also called: Congenital myasthenic syndrome type 6; MYASTHENIC SYNDROME, CONGENITAL, 6, PRESYNAPTIC; MYASTHENIC SYNDROME, PRESYNAPTIC, CONGENITAL, ASSOCIATED WITH EPISODIC APNEA. Identifiers: Orphanet 590, MedGen C0393929, MONDO:0009689, OMIM 254210.

Allele frequency attached by ClinVar (database versions not stated): ExAC 0.99218; 1000 Genomes Project 30x 0.96814; 1000 Genomes Project 0.97185; TOPMed 0.97330; gnomAD 0.97663 and 0.97807.
gnomAD v4.1: 1,532,577 of 1,542,478 alleles (99%); highest among the groups gnomAD compares: East Asian, 100%; 761,490 homozygotes.

Submissions (8):

Blueprint Genetics
Classification: Benign. Last evaluated: 2024-11-27. Review status: criteria provided, single submitter. Criteria: ACMG Guidelines, 2015. Collection method: clinical testing. Allele origin: germline.

Genome-Nilou Lab
Classification: Benign for Familial infantile myasthenia. Last evaluated: 2021-07-22. Review status: criteria provided, single submitter. Criteria: ACMG Guidelines, 2015. Collection method: clinical testing. Allele origin: germline. Affected: no.

Eurofins Ntd Llc (ga)
Classification: Benign. Last evaluated: 2018-05-15. Review status: criteria provided, single submitter. Criteria: EGL ClinVar v180209 classification definitions. Collection method: clinical testing. Allele origin: germline. Observed: 191 variant alleles, 11 heterozygotes, 179 homozygotes, 1 hemizygote.

Laboratory for Molecular Medicine, Mass General Brigham Personalized Medicine
Classification: Benign. Last evaluated: 2016-03-28. Review status: criteria provided, single submitter. Criteria: LMM Criteria. Collection method: clinical testing. Allele origin: germline.
Comment: Variant identified in a genome or exome case(s) and assessed due to predicted null impact of the variant or pathogenic assertions in the literature or databases. Disclaimer: This variant has not undergone full assessment. The following are preliminary notes: Frequency

GeneDx
Classification: Benign. Last evaluated: 2016-01-19. Review status: criteria provided, single submitter. Criteria: GeneDx Variant Classification (06012015). Collection method: clinical testing. Allele origin: germline. Affected: yes.
Comment: This variant is considered likely benign or benign based on one or more of the following criteria: it is a conservative change, it occurs at a poorly conserved position in the protein, it is predicted to be benign by multiple in silico algorithms, and/or has population frequency not consistent with disease.

Breakthrough Genomics
Classification: Benign. Review status: criteria provided, single submitter. Criteria: ACMG Guidelines, 2015. Collection method: not provided. Allele origin: germline. Inheritance: Autosomal recessive inheritance. Affected: yes.

PreventionGenetics, part of Exact Sciences
Classification: Benign. Review status: criteria provided, single submitter. Criteria: ACMG Guidelines, 2015. Collection method: clinical testing. Allele origin: germline.

Mayo Clinic Laboratories, Mayo Clinic
Classification: Benign. Last evaluated: 2016-02-29. Review status: no assertion criteria provided. Collection method: clinical testing. Allele origin: unknown. Not counted in ClinVar's aggregate classification.

NM_020549.5(CHAT):c.-10T>G

Gene: CHAT (choline O-acetyltransferase; plus strand). Cytogenetic location: 10q11.23.
Variant type: single nucleotide variant.
Coding change: c.-10T>G on transcript NM_020549.5 (MANE Select); 10 bases upstream of the start codon, T replaced by G.
Molecular consequence: 5 prime UTR variant. On other transcripts: intron variant (3).
Genome position (GRCh38, 1-based): chr10:49,614,180, T>G. VCF-style: chr10-49614180-T-G. GRCh37 (hg19) VCF-style: chr10-50822226-T-G.
Other names: c.-364T>G (NM_001142929.2); c.-326T>G (NM_001142933.2); c.-434T>G (NM_001142934.2); c.-68-2322T>G (NM_020984.4); c.-240-124T>G (NM_020985.4); c.-69+978T>G (NM_020986.4).
Identifiers: ClinVar variation 193433 (VCV000193433.14), dbSNP rs7923716, ClinGen allele CA200567.